The following is an entry in ClinVar:

NM_006565.4(CTCF):c.1016G>A (p.Arg339Gln)

Gene: CTCF (CCCTC-binding factor; plus strand). Cytogenetic location: 16q22.1.
Variant type: single nucleotide variant.
Coding change: c.1016G>A on transcript NM_006565.4 (MANE Select); coding-DNA position 1016, G replaced by A.
Protein change: p.Arg339Gln; replaces arginine 339 with glutamine.
Molecular consequence: missense variant.
Genome position (GRCh38, 1-based): chr16:67,616,808, G>A. VCF-style: chr16-67616808-G-A. GRCh37 (hg19) VCF-style: chr16-67650711-G-A.
Other names: c.32G>A, p.Arg11Gln (NM_001191022.2); c.1016G>A, p.Arg339Gln (NM_001363916.2); short protein forms R339Q, R11Q.
Identifiers: ClinVar variation 594856 (VCV000594856.57), dbSNP rs1567610917, ClinGen allele CA396312196.
Genomic context (GRCh38, chr16:67,616,808, plus strand): 5'-CTCGTCCTCACAAGTGCCCAGACTGCGACATGGCCTTTGTGACCAGTGGAGAATTGGTTC[G>A]GCATCGTCGTTACAAACACACCCACGAGAAGCCATTCAAGTGTTCCATGTGCGATTACGC-3'
Protein context (NP_006556.1, residues 329-349): MAFVTSGELV[Arg339Gln]HRRYKHTHEK

ClinVar aggregate classification (germline): Conflicting classifications of pathogenicity. Review status: criteria provided, conflicting classifications (1 of 4 stars). 11 submissions from 11 submitters: Pathogenic (5); Likely pathogenic (5); Uncertain significance (1). Last evaluated 2025-11-25.

Conditions:
CTCF-related neurodevelopmental disorder. Also called: INTELLECTUAL DEVELOPMENTAL DISORDER, AUTOSOMAL DOMINANT 21; Intellectual disability-feeding difficulties-developmental delay-microcephaly syndrome. Identifiers: Orphanet 363611, MedGen C3809686, MONDO:0014213, OMIM 615502.
CTCF-related disorder. Also called: CTCF-related condition. Identifiers: MedGen CN381101.

Allele frequency attached by ClinVar (database versions not stated): gnomAD exomes below 0.00001.
gnomAD v4.1: 1 of 1,614,096 alleles (0.000062%); highest among the groups gnomAD compares: Non-Finnish European, 0.000085%; no homozygotes.

Submissions (11):

Dasa
Classification: Pathogenic. Last evaluated: 2025-11-25. Review status: criteria provided, single submitter. Criteria: DASA Assertion Criteria. Collection method: clinical testing. Allele origin: germline.
Comment: NM_006565.4(CTCF):c.1016G>A (p.Arg339Gln) is a missense variant that results in the substitution of arginine with glutamine. The affected residue or protein region has prior evidence supporting clinical relevance. De novo occurrence has been reported in an individual with related phenotype. Functional evidence supports a deleterious effect on the gene or gene product (PMID: 34657170; PMID: 29076501; PMID: 40118069; PMID: 36454652; PMID: 31239556). This variant has been recurrently observed in individuals with related phenotype (PMID: 34657170; PMID: 29076501; PMID: 40118069; PMID: 36454652; PMID: 31239556). The variant is present at low frequency in population datasets. Based on the available data, this variant is classified as pathogenic.

GeneDx
Classification: Pathogenic. Last evaluated: 2025-10-08. Review status: criteria provided, single submitter. Criteria: GeneDx Variant Classification Process June 2021. Collection method: clinical testing. Allele origin: germline. Affected: yes.
Comment: Published functional studies demonstrate a damaging effect (PMID: 34657170); Not observed at significant frequency in large population cohorts (gnomAD); In silico analysis supports that this missense variant has a deleterious effect on protein structure/function; This variant is associated with the following publications: (PMID: 33057194, 35982159, 31239556, 29076501, 33004838, Do2024[preprint], 34364746, 34958143, 36454652, 39039281, 34657170, 40118069)

Genomic Medicine Center of Excellence, King Faisal Specialist Hospital and Research Centre
Classification: Likely pathogenic for CTCF-related neurodevelopmental disorder. Last evaluated: 2025-09-10. Review status: criteria provided, single submitter. Criteria: ACMG Guidelines, 2015. Collection method: clinical testing. Allele origin: germline.

3billion
Classification: Pathogenic for CTCF-related neurodevelopmental disorder. Last evaluated: 2024-10-10. Review status: criteria provided, single submitter. Criteria: ACMG Guidelines, 2015. Collection method: clinical testing. Allele origin: germline. Affected: yes.
Comment: The variant is observed at an extremely low frequency in the gnomAD v4.1.0 dataset (total allele frequency: <0.001%). Predicted Consequence/Location: Missense variant In silico tool predictions suggest damaging effect of the variant on gene or gene product [3Cnet: 0.99 (>=0.6, sensitivity 0.72 and precision 0.9)]. The same nucleotide change resulting in the same amino acid change has been previously reported as pathogenic/likely pathogenic with strong evidence (ClinVar ID: VCV000594856 /PMID: 31239556 /3billion dataset). The variant has been previously reported as de novo in a similarly affected individual (PMID: 31239556). Therefore, this variant is classified as Pathogenic according to the recommendation of ACMG/AMP guideline.

Blueprint Genetics
Classification: Likely pathogenic for CTCF-related disorders. Last evaluated: 2024-06-26. Review status: criteria provided, single submitter. Criteria: ACMG Guidelines, 2015. Collection method: clinical testing. Allele origin: germline. Affected: yes. Observed: 1 variant allele.

Illumina Laboratory Services, Illumina
Classification: Pathogenic for CTCF-related neurodevelopmental disorder. Last evaluated: 2023-04-11. Review status: criteria provided, single submitter. Criteria: ICSLVariantClassificationCriteria RUGD 01 April 2020. Collection method: clinical testing. Allele origin: unknown.
Comment: The CTCF c.1016G>A (p.Arg339Gln) missense variant results in the substitution of arginine at amino acid position 339 with glutamine. Across a selection of the available literature, this variant has been reported in at least six unrelated individuals with features of a neurodevelopmental disorder, including in a de novo state (PMID: 31239556; PMID: 36454652). This variant is not found in version 2.1.1 or version 3.1.2 of the Genome Aggregation Database. Functional studies have demonstrated that this variant, which is located within the third zinc finger domain and affects a key DNA-contacting residue, alters the function of the protein (PMID: 34657170; PMID: 29076501). This variant occurred in a de novo state. Based on the available evidence, the c.1016G>A (p.Arg339Gln) variant is classified as pathogenic for intellectual developmental disorder.

Labcorp Genetics (formerly Invitae), Labcorp
Classification: Pathogenic. Last evaluated: 2021-12-31. Review status: criteria provided, single submitter. Criteria: Invitae Variant Classification Sherloc (09022015). Collection method: clinical testing. Allele origin: germline.
Comment: For these reasons, this variant has been classified as Pathogenic. Experimental studies have shown that this missense change affects CTCF function (PMID: 34657170). Algorithms developed to predict the effect of missense changes on protein structure and function are either unavailable or do not agree on the potential impact of this missense change (SIFT: "Deleterious"; PolyPhen-2: "Possibly Damaging"; Align-GVGD: "Class C0"). ClinVar contains an entry for this variant (Variation ID: 594856). This missense change has been observed in individual(s) with clinical features of CTCF-related conditions (PMID: 31239556, 33004838). In at least one individual the variant was observed to be de novo. This variant is not present in population databases (gnomAD no frequency). This sequence change replaces arginine, which is basic and polar, with glutamine, which is neutral and polar, at codon 339 of the CTCF protein (p.Arg339Gln).

Women's Health and Genetics/Laboratory Corporation of America, LabCorp
Classification: Likely pathogenic for Mental retardation, autosomal dominant 21. Last evaluated: 2020-05-28. Review status: criteria provided, single submitter. Criteria: LabCorp Variant Classification Summary - May 2015. Collection method: clinical testing. Allele origin: germline.
Comment: Variant summary: CTCF c.1016G>A (p.Arg339Gln) results in a conservative amino acid change located in the zinc finger 3, C2H2-type domain (IPR013087) of the encoded protein sequence. Three of five in-silico tools predict a damaging effect of the variant on protein function. The variant was absent in 251492 control chromosomes (gnomAD) (PM2). c.1016G>A has been reported in the literature as a de novo occurrence in one proband (clinical exome trio testing) with symptoms including intrauterine growth restriction, failure to thrive and hypotonia and no family history (Konrad_2019) (PS2). To our knowledge, no experimental evidence demonstrating an impact on protein function has been reported. Nevertheless, Arg339 in ZF3 is found to form hydrogen bonds within the core sequence of CTCF-binding conserved sequence elements in the promoter region of members of different mammalian gene clusters (Yin_2017); this provides evidence for the potential importance of this codon to protein function. A ClinVar submitter (evaluation in 2018) cites the variant as uncertain significance. Based on the evidence outlined above (ACMG criteria PS2 and PM2), the variant was classified as likely pathogenic.

CeGaT Center for Human Genetics Tuebingen
Classification: Likely pathogenic. Last evaluated: 2020-02-01. Review status: criteria provided, single submitter. Criteria: CeGaT Center For Human Genetics Tuebingen Variant Classification Criteria Version 2. Collection method: clinical testing. Allele origin: germline. Affected: yes. Observed: 1 variant allele.

Institute of Human Genetics, University of Leipzig Medical Center
Classification: Likely pathogenic for CTCF-related neurodevelopmental disorder. Last evaluated: 2019-12-21. Review status: criteria provided, single submitter. Criteria: ACMG Guidelines, 2015. Collection method: clinical testing. Allele origin: de novo.

Eurofins Ntd Llc (ga)
Classification: Uncertain significance. Last evaluated: 2018-04-12. Review status: criteria provided, single submitter. Criteria: EGL ClinVar v180209 classification definitions. Collection method: clinical testing. Allele origin: germline. Observed: 1 variant allele, 1 heterozygote.

Literature cited by the submitters: PubMed 34657170 (cited by 3 submitters); PubMed 29076501 (cited by 3 submitters); PubMed 40118069 (cited by Dasa); PubMed 36454652 (cited by Dasa and Illumina Laboratory Services, Illumina); PubMed 31239556 (cited by 6 submitters); PubMed 33004838 (cited by Labcorp Genetics (formerly Invitae), Labcorp).